The following is an entry in ClinVar:

ClinVar aggregate classification (germline): Uncertain significance (1 of 4 stars; one submission).

gnomAD v4.1: 21 of 1,553,844 alleles (0.0014%); highest among the groups gnomAD compares: Non-Finnish European, 0.0016%; no homozygotes.

Submission:

Labcorp Genetics (formerly Invitae), Labcorp
Classification: Uncertain significance. Last evaluated: 2022-09-16. Review status: criteria provided, single submitter. Criteria: Invitae Variant Classification Sherloc (09022015). Collection method: clinical testing. Allele origin: germline.
Comment: This sequence change affects codon 240 of the DNA2 mRNA. It is a 'silent' change, meaning that it does not change the encoded amino acid sequence of the DNA2 protein. It affects a nucleotide within the consensus splice site. The frequency data for this variant in the population databases is considered unreliable, as metrics indicate poor data quality at this position in the gnomAD database. This variant has not been reported in the literature in individuals affected with DNA2-related conditions. Algorithms developed to predict the effect of sequence changes on RNA splicing suggest that this variant is not likely to affect RNA splicing. In summary, the available evidence is currently insufficient to determine the role of this variant in disease. Therefore, it has been classified as a Variant of Uncertain Significance.

NM_001080449.3(DNA2):c.720G>A (p.Leu240=)

Gene: DNA2 (DNA replication helicase/nuclease 2; minus strand). Cytogenetic location: 10q21.3.
Variant type: single nucleotide variant.
Coding change: c.720G>A on transcript NM_001080449.3 (MANE Select); coding-DNA position 720, G replaced by A.
Protein change: p.Leu240=; no amino-acid change (leucine 240 retained).
Molecular consequence: synonymous variant. On other transcripts: non-coding transcript variant (1).
Genome position (GRCh38, 1-based): chr10:68,450,247, C>T on the plus strand (G>A on the coding strand, the complement: DNA2 is on the minus strand). VCF-style: chr10-68450247-C-T. GRCh37 (hg19) VCF-style: chr10-70210004-C-T.
Identifiers: ClinVar variation 1963815 (VCV001963815.5), dbSNP rs199878321, ClinGen allele CA469811113.
Genomic context (GRCh38, chr10:68,450,247, plus strand): 5'-ATCCATTGGTTTCACGACTTCAATGTTACATGTTGAATTATCCTTACTATTATCACTTGG[C>T]CTGAAAAAAAAAAAAGCACAAAAACACTTAATTAGAACTCTTAGCTCATTTCACATCTGC-3'
Protein context (NP_001073918.2, residues 230-250): STDFPQMQLS[Leu240=]PSDNSKDNST